The following is an entry in ClinVar:

ClinVar aggregate classification (germline): Uncertain significance (1 of 4 stars; one submission).

Conditions:
Arrhythmogenic cardiomyopathy with wooly hair and keratoderma. Also called: PALMOPLANTAR KERATODERMA WITH LEFT VENTRICULAR CARDIOMYOPATHY AND WOOLLY HAIR; Carvajal syndrome; Dilated cardiomyopathy with woolly hair and keratoderma; Arrhythmogenic cardiomyopathy with woolly hair and keratoderma. Identifiers: Orphanet 65282, MedGen C1854063, MONDO:0011581, OMIM 605676.

Submission:

All of Us Research Program, National Institutes of Health
Classification: Uncertain significance for Arrhythmogenic cardiomyopathy with wooly hair and keratoderma. Last evaluated: 2023-05-16. Review status: criteria provided, single submitter. Criteria: ACMG Guidelines, 2015. Collection method: clinical testing. Allele origin: germline. Inheritance: Autosomal dominant inheritance. Observed: 1 variant allele, 1 heterozygote.
Comment: This missense variant replaces lysine with glutamine at codon 821 of the DSP protein. Computational prediction suggests that this variant may not impact protein structure and function (internally defined REVEL score threshold <= 0.5, PMID: 27666373). To our knowledge, functional studies have not been reported for this variant. This variant has not been reported in individuals affected with DSP-related disorders in the literature. This variant has not been identified in the general population by the Genome Aggregation Database (gnomAD). The available evidence is insufficient to determine the role of this variant in disease conclusively. Therefore, this variant is classified as a Variant of Uncertain Significance.

This study involves interpretation of variants in research participants for the purpose of population health screening. Participant phenotype was not available at the time of variant classification. Additional details can be found in publication PMID: 35346344, PMCID: PMC8962531

NM_004415.4(DSP):c.2461A>C (p.Lys821Gln)

Gene: DSP (desmoplakin; plus strand). Cytogenetic location: 6p24.3.
Variant type: single nucleotide variant.
Coding change: c.2461A>C on transcript NM_004415.4 (MANE Select); coding-DNA position 2461, A replaced by C.
Protein change: p.Lys821Gln; replaces lysine 821 with glutamine.
Molecular consequence: missense variant.
Genome position (GRCh38, 1-based): chr6:7,575,319, A>C. VCF-style: chr6-7575319-A-C. GRCh37 (hg19) VCF-style: chr6-7575552-A-C.
Other names: c.2461A>C, p.Lys821Gln (NM_001008844.3, NM_001319034.2); short protein forms K821Q.
Identifiers: ClinVar variation 3071103 (VCV003071103.1), dbSNP rs2533908164, ClinGen allele CA362681386.